The following is an entry in ClinVar:

ClinVar aggregate classification (germline): Uncertain significance (1 of 4 stars; one submission).

Allele frequency attached by ClinVar (database versions not stated): gnomAD 0.00001; gnomAD exomes 0.00001; TOPMed 0.00001.

Submission:

Labcorp Genetics (formerly Invitae), Labcorp
Classification: Uncertain significance. Last evaluated: 2025-10-06. Review status: criteria provided, single submitter. Criteria: Invitae Variant Classification Sherloc (09022015). Collection method: clinical testing. Allele origin: germline.
Comment: This variant, c.903_904insCTG, results in the insertion of 1 amino acid(s) of the IFT88 protein (p.Ile301_Asn302insLeu), but otherwise preserves the integrity of the reading frame. This variant is present in population databases (no rsID available, gnomAD 0.009%). This variant has not been reported in the literature in individuals affected with IFT88-related conditions. ClinVar contains an entry for this variant (Variation ID: 2068537). In summary, the available evidence is currently insufficient to determine the role of this variant in disease. Therefore, it has been classified as a Variant of Uncertain Significance.

NM_006531.5(IFT88):c.876_877insCTG (p.Ile292_Asn293insLeu)

Gene: IFT88 (intraflagellar transport 88; plus strand). Cytogenetic location: 13q12.11.
Variant type: Insertion.
Coding change: c.876_877insCTG on transcript NM_006531.5 (MANE Select); coding-DNA positions 876 to 877, CTG inserted.
Protein change: p.Ile292_Asn293insLeu.
Molecular consequence: inframe insertion. On other transcripts: intron variant (7), non-coding transcript variant (5).
Genome position: GRCh38 VCF-style: chr13-20601768-T-TCTG. GRCh37 (hg19) VCF-style: chr13-21175907-T-TCTG.
Other names: c.883+20_883+21insCTG (NM_001353570.2, NM_001353576.2, NM_001353577.2 and 1 more transcripts); c.856+20_856+21insCTG (NM_001353571.2, NM_001353578.2); c.799+20_799+21insCTG (NM_001353574.2); c.819_820insCTG, p.Ile273_Asn274insLeu (NM_001318491.2, NM_001353573.2, NM_001353575.2); c.903_904insCTG, p.Ile301_Asn302insLeu (NM_001318493.2, NM_001353565.2, NM_001353566.2 and 2 more transcripts); c.876_877insCTG, p.Ile292_Asn293insLeu (NM_001353568.2, NM_001353572.2); c.243_244insCTG, p.Ile81_Asn82insLeu (NM_001353579.2).
Identifiers: ClinVar variation 2068537 (VCV002068537.4), dbSNP rs1197252262, ClinGen allele CA608984243.